The following is an entry in ClinVar:

ClinVar aggregate classification (germline): Pathogenic (1 of 4 stars; one submission).

Conditions:
Oculofaciocardiodental syndrome (MCOPS2). Identifiers: Orphanet 2712, MedGen C1846265, MONDO:0010261, OMIM 300166.

Submission:

Labcorp Genetics (formerly Invitae), Labcorp
Classification: Pathogenic for Oculofaciocardiodental syndrome. Last evaluated: 2018-06-28. Review status: criteria provided, single submitter. Criteria: Invitae Variant Classification Sherloc (09022015). Collection method: clinical testing. Allele origin: germline.
Comment: This variant has not been reported in the literature in individuals with BCOR-related disease. Loss-of-function variants in BCOR are known to be pathogenic (PMID: 15004558, 19367324). For these reasons, this variant has been classified as Pathogenic. This variant is not present in population databases (ExAC no frequency). This sequence change creates a premature translational stop signal (p.Arg1031Lysfs*23) in the BCOR gene. It is expected to result in an absent or disrupted protein product.

Literature cited by the submitters: PubMed 15004558; PubMed 19367324.

NM_001123385.2(BCOR):c.3090_3093del (p.Arg1031fs)

Gene: BCOR (BCL6 corepressor; minus strand). Cytogenetic location: Xp11.4.
Variant type: Microsatellite.
Coding change: c.3090_3093del on transcript NM_001123385.2 (MANE Select); coding-DNA positions 3090 to 3093, 4 bases deleted (AAGA; older notation c.3090_3093delAAGA).
Protein change: p.Arg1031fs; shifts the reading frame from arginine 1031.
Molecular consequence: frameshift variant.
Genome position (GRCh38, 1-based): chrX:40,071,118-40,071,121, TCTT deleted on the plus strand (AAGA on the coding strand, the reverse complement: BCOR is on the minus strand); deleting any 4 consecutive bases within chrX:40,071,118-40,071,127 gives the same sequence; the c. name uses the placement nearest the transcript's 3' end. VCF-style (leftmost placement, unchanged base first): chrX-40071117-CTCTT-C. GRCh37 (hg19) VCF-style: chrX-39930370-CTCTT-C.
Other names: c.3084_3087GAAA[1], p.Arg1031Lysfs (NM_001123383.2); c.3036_3039del, p.Arg1013fs (NM_001123384.2); c.3090_3093del, p.Arg1031fs (NM_017745.6); short protein forms R1013fs, R1031fs.
Identifiers: ClinVar variation 1070040 (VCV001070040.7), dbSNP rs2147176806, ClinGen allele CA2580616989.